The following is an entry in ClinVar:

ClinVar aggregate classification (germline): Likely benign (0 of 4 stars; one submission).

Conditions:
PTPRS-related disorder. Also called: PTPRS-related condition.

Allele frequency attached by ClinVar (database versions not stated): ESP Exome Variant Server 0.00015; 1000 Genomes Project 30x 0.00078; 1000 Genomes Project 0.00100.
gnomAD v4.1: 284 of 1,599,470 alleles (0.018%); highest among the groups gnomAD compares: East Asian, 0.24%; 2 homozygotes.

Submission:

PreventionGenetics, part of Exact Sciences
Classification: Likely benign for PTPRS-related condition. Last evaluated: 2020-08-24. Review status: no assertion criteria provided. Collection method: clinical testing. Allele origin: germline.
Comment: This variant is classified as likely benign based on ACMG/AMP sequence variant interpretation guidelines (Richards et al. 2015 PMID: 25741868, with internal and published modifications).

NM_002850.4(PTPRS):c.4668G>A (p.Pro1556=)

Gene: PTPRS (protein tyrosine phosphatase receptor type S; minus strand). Cytogenetic location: 19p13.3.
Variant type: single nucleotide variant.
Coding change: c.4668G>A on transcript NM_002850.4 (MANE Select); coding-DNA position 4668, G replaced by A.
Protein change: p.Pro1556=; no amino-acid change (proline 1556 retained).
Molecular consequence: synonymous variant.
Genome position (GRCh38, 1-based): chr19:5,212,438, C>T on the plus strand (G>A on the coding strand, the complement: PTPRS is on the minus strand). VCF-style: chr19-5212438-C-T. GRCh37 (hg19) VCF-style: chr19-5212449-C-T.
Other names: c.4602G>A, p.Pro1534= (NM_001394011.1); c.4581G>A, p.Pro1527= (NM_001394012.1); c.4542G>A, p.Pro1514= (NM_001394013.1); c.3327G>A, p.Pro1109= (NM_130853.3); c.4554G>A, p.Pro1518= (NM_130854.3); c.3339G>A, p.Pro1113= (NM_130855.3).
Identifiers: ClinVar variation 3036760 (VCV003036760.2), dbSNP rs115646246, ClinGen allele CA9109031.